The following is an entry in ClinVar:

ClinVar aggregate classification (germline): Uncertain significance (1 of 4 stars; one submission).

Conditions:
Pierson syndrome. Also called: MICROCORIA-CONGENITAL NEPHROTIC SYNDROME. Identifiers: Orphanet 2670, MedGen C1836876, MONDO:0012184, OMIM 609049.
LAMB2-related infantile-onset nephrotic syndrome. Also called: NEPHROTIC SYNDROME, TYPE 5, WITHOUT OCULAR ABNORMALITIES; NEPHROTIC SYNDROME, TYPE 5, WITH OCULAR ABNORMALITIES; Nephrotic Syndrome, type 5. Identifiers: Orphanet 306507, MedGen C3280113, MONDO:0013621, OMIM 614199.

Submission:

Labcorp Genetics (formerly Invitae), Labcorp
Classification: Uncertain significance for LAMB2-related infantile-onset nephrotic syndrome; Pierson syndrome. Last evaluated: 2021-11-29. Review status: criteria provided, single submitter. Criteria: Invitae Variant Classification Sherloc (09022015). Collection method: clinical testing. Allele origin: germline.
Comment: In summary, the available evidence is currently insufficient to determine the role of this variant in disease. Therefore, it has been classified as a Variant of Uncertain Significance. Algorithms developed to predict the effect of missense changes on protein structure and function are either unavailable or do not agree on the potential impact of this missense change (SIFT: "Deleterious"; PolyPhen-2: "Benign"; Align-GVGD: "Class C35"). This variant has not been reported in the literature in individuals affected with LAMB2-related conditions. This variant is not present in population databases (gnomAD no frequency). This sequence change replaces glutamine, which is neutral and polar, with leucine, which is neutral and non-polar, at codon 1220 of the LAMB2 protein (p.Gln1220Leu).

NM_002292.4(LAMB2):c.3659A>T (p.Gln1220Leu)

Gene: LAMB2 (laminin subunit beta 2; minus strand). Cytogenetic location: 3p21.31.
Variant type: single nucleotide variant.
Coding change: c.3659A>T on transcript NM_002292.4 (MANE Select); coding-DNA position 3659, A replaced by T.
Protein change: p.Gln1220Leu; replaces glutamine 1220 with leucine.
Molecular consequence: missense variant.
Genome position (GRCh38, 1-based): chr3:49,123,866, T>A on the plus strand (A>T on the coding strand, the complement: LAMB2 is on the minus strand). VCF-style: chr3-49123866-T-A. GRCh37 (hg19) VCF-style: chr3-49161299-T-A.
Other names: short protein forms Q1220L.
Identifiers: ClinVar variation 1436533 (VCV001436533.6), dbSNP rs2107638059, ClinGen allele CA352705530.